The following is an entry in ClinVar:

ClinVar aggregate classification (germline): Conflicting classifications of pathogenicity. Review status: criteria provided, conflicting classifications (1 of 4 stars). 4 submissions from 4 submitters: Pathogenic (2); Uncertain significance (1). 1 of the submissions does not count toward it. Last evaluated 2025-09-23.

Conditions:
Polyglandular autoimmune syndrome, type 1 (APS1). Also called: Whitaker syndrome; AUTOIMMUNE POLYENDOCRINE SYNDROME, TYPE I, WITH OR WITHOUT REVERSIBLE METAPHYSEAL DYSPLASIA; APS I; HYPOADRENOCORTICISM WITH HYPOPARATHYROIDISM AND SUPERFICIAL MONILIASIS; PGA I; Autoimmune polyendocrinopathy syndrome , type I, with or without reversible metaphyseal dysplasia. Identifiers: Orphanet 3453, MedGen C0085859, MONDO:0009411, OMIM 240300.

Allele frequency attached by ClinVar (database versions not stated): TOPMed 0.00008; 1000 Genomes Project 30x 0.00031.
gnomAD v4.1: 28 of 152,312 alleles (0.018%); highest among the groups gnomAD compares: Admixed American, 0.14%; no homozygotes.

Submissions (4):

GeneDx
Classification: Pathogenic. Last evaluated: 2025-09-23. Review status: criteria provided, single submitter. Criteria: GeneDx Variant Classification Process June 2021. Collection method: clinical testing. Allele origin: germline. Affected: yes.
Comment: Canonical splice site variant predicted to result in a null allele in a gene for which loss of function is a known mechanism of disease (PMID: 39292801); This variant is associated with the following publications: (PMID: 39450475, 40738288, 39292801)

National Institute of Allergy and Infectious Diseases - Centralized Sequencing Program, National Institutes of Health
Classification: Pathogenic for Polyglandular autoimmune syndrome, type 1. Last evaluated: 2025-03-21. Review status: criteria provided, single submitter. Criteria: ACMG Guidelines, 2015. Collection method: clinical testing. Allele origin: germline. Affected: yes.

New York Genome Center
Classification: Uncertain significance for Polyglandular autoimmune syndrome, type 1. Last evaluated: 2020-06-05. Review status: criteria provided, single submitter. Criteria: NYGC Assertion Criteria 2020. Collection method: clinical testing. Allele origin: paternal. Inheritance: Autosomal recessive inheritance. Observed: 1 compound heterozygote. Study: CSER-NYCKidSeq.
Comment: The c.1504-818G>A intronic variant identified in the AIRE gene not been reported in available literature. This variant has 0.0064% frequency (2heterozygous) in gnomAD database indicating this is a rare allele and in silico tools predict conflicting evidence of pathogenicity. Based on the available evidence, the c.1504-818G>A variant in the AIRE gene is classified as a variant of uncertain significance.

Undiagnosed Diseases Network, NIH
Classification: Pathogenic for Polyglandular autoimmune syndrome, type 1. Last evaluated: 2026-06-30. Review status: no assertion criteria provided. Collection method: clinical testing. Allele origin: biparental. Inheritance: Autosomal dominant inheritance. Affected: yes. Observed: 1 variant allele, 1 homozygote. Study: Undiagnosed Diseases Network (NIH), UDN. Not counted in ClinVar's aggregate classification.

Literature cited by the submitters: PubMed 39292801 (cited by National Institute of Allergy and Infectious Diseases - Centralized Sequencing Program, National Institutes of Health and Undiagnosed Diseases Network, NIH).

NM_000383.4(AIRE):c.1504-818G>A

Gene: AIRE (autoimmune regulator; plus strand). Cytogenetic location: 21q22.3.
Variant type: single nucleotide variant.
Coding change: c.1504-818G>A on transcript NM_000383.4 (MANE Select); 818 bases into the intron before coding-DNA position 1504, G replaced by A.
Molecular consequence: intron variant.
Genome position (GRCh38, 1-based): chr21:44,295,565, G>A. VCF-style: chr21-44295565-G-A. GRCh37 (hg19) VCF-style: chr21-45715448-G-A.
Other names: c.1504-818G>A (NM_000383.3).
Identifiers: ClinVar variation 997002 (VCV000997002.5), dbSNP rs181779633, ClinGen allele CA321797140.